The following is an entry in ClinVar:

ClinVar aggregate classification (germline): Uncertain significance (1 of 4 stars; one submission).

Submission:

Labcorp Genetics (formerly Invitae), Labcorp
Classification: Uncertain significance. Last evaluated: 2025-02-26. Review status: criteria provided, single submitter. Criteria: Invitae Variant Classification Sherloc (09022015). Collection method: clinical testing. Allele origin: germline.
Comment: This sequence change replaces glycine, which is neutral and non-polar, with glutamic acid, which is acidic and polar, at codon 162 of the GEN1 protein (p.Gly162Glu). This variant is not present in population databases (gnomAD no frequency). This variant has not been reported in the literature in individuals affected with GEN1-related conditions. An algorithm developed to predict the effect of missense changes on protein structure and function (PolyPhen-2) suggests that this variant is likely to be disruptive. In summary, the available evidence is currently insufficient to determine the role of this variant in disease. Therefore, it has been classified as a Variant of Uncertain Significance.

NM_001130009.3(GEN1):c.485G>A (p.Gly162Glu)

Gene: GEN1 (GEN1 structure-specific endonuclease; plus strand). Cytogenetic location: 2p24.2.
Variant type: single nucleotide variant.
Coding change: c.485G>A on transcript NM_001130009.3 (MANE Select); coding-DNA position 485, G replaced by A.
Protein change: p.Gly162Glu; replaces glycine 162 with glutamic acid.
Molecular consequence: missense variant.
Genome position (GRCh38, 1-based): chr2:17,765,033, G>A. VCF-style: chr2-17765033-G-A. GRCh37 (hg19) VCF-style: chr2-17946300-G-A.
Other names: c.485G>A, p.Gly162Glu (NM_182625.5); short protein forms G162E.
Identifiers: ClinVar variation 4771096 (VCV004771096.1).
Genomic context (GRCh38, chr2:17,765,033, plus strand): 5'-TCAATGCTGGTGGTCATGTCGATGGCTGCCTCACCAATGATGGAGATACTTTCCTTTATG[G>A]GGCCCAGACTGTTTACAGGAATTTCACTATGAATACAAAGGTGTTTATTTTCTTTCTCTT-3'
Protein context (NP_001123481.3, residues 152-172): LTNDGDTFLY[Gly162Glu]AQTVYRNFTM